The following continues an entry in ClinVar:

NM_007294.4(BRCA1):c.65T>C (p.Leu22Ser)

Gene: BRCA1. ClinVar aggregate classification (germline): Pathogenic. Pathogenic (1).

Submissions 7 to 17 of 17:

All of Us Research Program, National Institutes of Health
Classification: Pathogenic for Breast-ovarian cancer, familial, susceptibility to, 1. Last evaluated: 2023-12-14. Review status: criteria provided, single submitter. Criteria: ACMG Guidelines, 2015. Collection method: clinical testing. Allele origin: germline. Inheritance: Autosomal dominant inheritance. Observed: 1 variant allele, 1 heterozygote. Not counted in ClinVar's aggregate classification.
Comment: This missense variant replaces leucine with serine at codon 22 of the BRCA1 protein. Computational prediction suggests that this variant may have deleterious impact on protein structure and function (internally defined REVEL score threshold >= 0.7, PMID: 27666373). Functional studies have shown that this variant results in loss of homology-directed recombination activity of BRCA1 protein (PMID: 25823446, 30219179, 30696104) and disrupts BARD1 binding activity (PMID: 30696104). This variant has been reported to cause loss of BRCA1 function in a haploid cell proliferation assay (PMID: 30209399). This variant has been reported in multiple individuals affected with breast and/or ovarian cancer (PMID: 9609997, 19543972, 27741520, 29907814, 32380732, 32438681) and pancreatic cancer (PMID: 29506128). This variant has not been identified in the general population by the Genome Aggregation Database (gnomAD). Based on the available evidence, this variant is classified as Pathogenic.

This study involves interpretation of variants in research participants for the purpose of population health screening. Participant phenotype was not available at the time of variant classification. Additional details can be found in publication PMID: 35346344, PMCID: PMC8962531

Quest Diagnostics Nichols Institute San Juan Capistrano
Classification: Pathogenic. Last evaluated: 2022-12-16. Review status: criteria provided, single submitter. Criteria: Quest Diagnostics criteria. Collection method: clinical testing. Allele origin: unknown. Not counted in ClinVar's aggregate classification.
Comment: In the published literature, the variant has been reported as being pathogenic in the published literature (PMID: 19543972 (2010), 21990134 (2012), and 21990165 (2012)). Internal analysis of published breast and ovarian cancer cases revealed an enrichment of the variant in cases compared to general population controls (PMID: 9609997 (1998), 25452441 (2015), and 29907814 (2018)). Comprehensive functional studies indicated that this variant is damaging to E3 ubiquitin-ligase activity of the BRCA1 protein (PMID: 25823446 (2015)), while another study utilizing a yeast model yielded inconclusive predictions on the effect of the variant on BRCA1 protein function (PMID: 27272900 (2016)). Analysis of this variant using bioinformatics tools for the prediction of the effect of amino acid changes on protein structure and function yielded predictions that this variant is damaging. Based on the available information, this variant is classified as pathogenic.

Blueprint Genetics
Classification: Pathogenic for BRCA1-related disorders. Last evaluated: 2021-12-08. Review status: criteria provided, single submitter. Criteria: ACMG Guidelines, 2015. Collection method: clinical testing. Allele origin: germline. Affected: yes. Observed: 1 variant allele. Not counted in ClinVar's aggregate classification.

Laboratory of Medical Genetics Unit, Bambino Gesù Children's Hospital
Classification: Likely pathogenic for Infant-type hemispheric glioma. Last evaluated: 2021-11-05. Review status: criteria provided, single submitter. Criteria: ACMG Guidelines, 2015. Collection method: research. Allele origin: maternal. Affected: yes. Observed: 1 heterozygote. Not counted in ClinVar's aggregate classification.

Sema4
Classification: Likely pathogenic for Hereditary cancer-predisposing syndrome. Last evaluated: 2021-06-17. Review status: criteria provided, single submitter. Criteria: Sema4 Curation Guidelines. Collection method: curation. Allele origin: germline. Not counted in ClinVar's aggregate classification.
Comment: The BRCA1 c.65T>C (p.L22S) variant has been reported in heterozygosity in at least 6 individuals with hereditary breast and/or ovarian cancer (PMID: 9609997, 19543972, 27741520, 29339979, 29907814) and 5 individuals who underwent BRCA testing with unknown clinical phenotype (PMID 29446198). Functional studies have shown that this variant alters the BRCA1 function in homology-directed DNA repair and high throughput genome editing haploid cell survival assays (PMID: 25823446, 30209399). This variant is not reported in the Genome Aggregation Database (PMID: 32461654). Based on the current evidence available, this variant is interpreted as likely pathogenic.

Consortium of Investigators of Modifiers of BRCA1/2 (CIMBA), c/o University of Cambridge
Classification: Pathogenic for Breast-ovarian cancer, familial, susceptibility to, 1. Last evaluated: 2015-10-02. Review status: criteria provided, single submitter. Criteria: CIMBA Mutation Classification guidelines May 2016. Collection method: clinical testing. Allele origin: germline. Not counted in ClinVar's aggregate classification.

Department of Medical Genetics, Oslo University Hospital
Classification: Likely pathogenic for Breast-ovarian cancer, familial, susceptibility to, 1. Last evaluated: 2015-07-01. Review status: criteria provided, single submitter. Criteria: ACMG Guidelines, 2015. Collection method: clinical testing. Allele origin: germline. Affected: yes. Observed: 2 variant alleles. Not counted in ClinVar's aggregate classification.

Counsyl
Classification: Pathogenic for Breast-ovarian cancer, familial 1. Last evaluated: 2014-12-22. Review status: no assertion criteria provided. Collection method: literature only. Allele origin: unknown. Inheritance: Autosomal dominant inheritance. Not counted in ClinVar's aggregate classification.

Sharing Clinical Reports Project (SCRP)
Classification: Uncertain significance for Breast-ovarian cancer, familial 1. Last evaluated: 2009-10-22. Review status: no assertion criteria provided. Collection method: clinical testing. Allele origin: germline. Not counted in ClinVar's aggregate classification.

Breast Cancer Information Core (BIC) (BRCA1)
Classification: Uncertain significance for Breast-ovarian cancer, familial 1. Last evaluated: 2004-11-25. Review status: no assertion criteria provided. Collection method: clinical testing. Allele origin: germline. Affected: yes. Observed: 1 variant allele. Not counted in ClinVar's aggregate classification.

Brotman Baty Institute, University of Washington
No classification provided (evidence only). Condition: Breast-ovarian cancer, familial 1. Review status: no classification provided. Collection method: in vitro. Allele origin: not applicable. Functional consequence: functionally_abnormal. Not counted in ClinVar's aggregate classification.
ClinVar note: "not provided" was previously submitted as the classification for the variant. However, the classification appeared to be based only on an observation of functional data so it was converted to no classification on 2025-07-30.

Literature cited by the submitters: PubMed 21990134 (cited by 4 submitters); PubMed 9609997 (cited by 7 submitters); PubMed 19543972 (cited by 6 submitters); PubMed 25452441 (cited by 3 submitters); PubMed 25823446 (cited by 6 submitters); PubMed 27741520 (cited by 5 submitters); PubMed 27225819 (cited by Women's Health and Genetics/Laboratory Corporation of America, LabCorp and Quest Diagnostics Nichols Institute San Juan Capistrano); PubMed 28888541 (cited by Labcorp Genetics (formerly Invitae), Labcorp); PubMed 30339520 (cited by Labcorp Genetics (formerly Invitae), Labcorp and Quest Diagnostics Nichols Institute San Juan Capistrano); PubMed 32438681 (cited by 4 submitters); PubMed 34981296 (cited by Labcorp Genetics (formerly Invitae), Labcorp); PubMed 38386807 (cited by Labcorp Genetics (formerly Invitae), Labcorp); PubMed 30209399 (cited by 6 submitters); PubMed 30696104 (cited by 3 submitters); PubMed 29506128 (cited by Color Diagnostics, LLC DBA Color Health and All of Us Research Program, National Institutes of Health); PubMed 29907814 (cited by 4 submitters); PubMed 30219179 (cited by 3 submitters); PubMed 31853058 (cited by Color Diagnostics, LLC DBA Color Health); PubMed 32380732 (cited by 3 submitters); PubMed 34572941 (cited by Quest Diagnostics Nichols Institute San Juan Capistrano); PubMed 29854283 (cited by Quest Diagnostics Nichols Institute San Juan Capistrano); PubMed 29339979 (cited by Sema4); PubMed 29446198 (cited by Sema4); PubMed 24489791 (cited by Counsyl); PubMed 21990165 (cited by Counsyl).